The following is an entry in ClinVar:

NM_000057.4(BLM):c.3047G>C (p.Arg1016Thr)

Gene: BLM (BLM RecQ like helicase; plus strand). Cytogenetic location: 15q26.1.
Variant type: single nucleotide variant.
Coding change: c.3047G>C on transcript NM_000057.4 (MANE Select); coding-DNA position 3047, G replaced by C.
Protein change: p.Arg1016Thr; replaces arginine 1016 with threonine.
Molecular consequence: missense variant.
Genome position (GRCh38, 1-based): chr15:90,794,194, G>C. VCF-style: chr15-90794194-G-C. GRCh37 (hg19) VCF-style: chr15-91337424-G-C.
Other names: c.3047G>C, p.Arg1016Thr (NM_001287246.2, NM_001287247.2); c.1922G>C, p.Arg641Thr (NM_001287248.2); short protein forms R1016T, R641T.
Identifiers: ClinVar variation 1683324 (VCV001683324.9), dbSNP rs2151187181, ClinGen allele CA393846708.

ClinVar aggregate classification (germline): Uncertain significance. Review status: criteria provided, multiple submitters, no conflicts (2 of 4 stars). 4 submissions from 4 submitters: Uncertain significance (3). 1 of the submissions does not count toward it. Last evaluated 2023-02-23.

Conditions:
Hereditary cancer-predisposing syndrome. Also called: Hereditary neoplastic syndrome; Neoplastic Syndromes, Hereditary; Tumor predisposition; Hereditary Cancer Syndrome. Identifiers: Orphanet 140162, MedGen C0027672, MeSH D009386, MONDO:0015356.
Bloom syndrome (BLM). Also called: Bloom-Torre-Machacek syndrome. Identifiers: Orphanet 125, MedGen C0005859, MONDO:0008876, OMIM 210900.

gnomAD v4.1: 1 of 1,604,992 alleles (0.000062%); highest among the groups gnomAD compares: Non-Finnish European, 0.000085%; no homozygotes.

Submissions (4):

Labcorp Genetics (formerly Invitae), Labcorp
Classification: Uncertain significance for Bloom syndrome. Last evaluated: 2023-02-23. Review status: criteria provided, single submitter. Criteria: Invitae Variant Classification Sherloc (09022015). Collection method: clinical testing. Allele origin: germline.
Comment: This sequence change replaces arginine, which is basic and polar, with threonine, which is neutral and polar, at codon 1016 of the BLM protein (p.Arg1016Thr). This variant is not present in population databases (gnomAD no frequency). This variant has not been reported in the literature in individuals affected with BLM-related conditions. ClinVar contains an entry for this variant (Variation ID: 1683324). Advanced modeling of protein sequence and biophysical properties (such as structural, functional, and spatial information, amino acid conservation, physicochemical variation, residue mobility, and thermodynamic stability) performed at Invitae indicates that this missense variant is not expected to disrupt BLM protein function. In summary, the available evidence is currently insufficient to determine the role of this variant in disease. Therefore, it has been classified as a Variant of Uncertain Significance.

Women's Health and Genetics/Laboratory Corporation of America, LabCorp
Classification: Uncertain significance. Last evaluated: 2022-04-28. Review status: criteria provided, single submitter. Criteria: LabCorp Variant Classification Summary - May 2015. Collection method: clinical testing. Allele origin: germline.

Ambry Genetics
Classification: Uncertain significance for Hereditary cancer-predisposing syndrome. Last evaluated: 2022-02-14. Review status: criteria provided, single submitter. Criteria: Ambry Variant Classification Scheme 2023. Collection method: clinical testing. Allele origin: germline.
Comment: The p.R1016T variant (also known as c.3047G>C), located in coding exon 15 of the BLM gene, results from a G to C substitution at nucleotide position 3047. The arginine at codon 1016 is replaced by threonine, an amino acid with similar properties. This amino acid position is conserved. In addition, this alteration is predicted to be tolerated by in silico analysis. Since supporting evidence is limited at this time, the clinical significance of this alteration remains unclear.

Natera, Inc.
Classification: Uncertain significance for Bloom syndrome. Last evaluated: 2025-05-12. Review status: no assertion criteria provided. Collection method: clinical testing. Allele origin: germline. Not counted in ClinVar's aggregate classification.